The following is an entry in ClinVar:

ClinVar aggregate classification (germline): Pathogenic (1 of 4 stars; one submission).

Conditions:
ASXL3-related disorder. Also called: ASXL3-related condition. Identifiers: MedGen CN381524.

Submission:

Clinical Genomics Laboratory, Stanford Medicine
Classification: Pathogenic for ASXL3-related disorder. Last evaluated: 2021-09-05. Review status: criteria provided, single submitter. Criteria: ACMG Guidelines, 2015. Collection method: clinical testing. Allele origin: de novo. Inheritance: Autosomal dominant inheritance. Affected: yes. Observed: 1 variant allele, 1 heterozygote.
Comment: This variant was absent from large population databases, including the Genome Aggregation Database. This variant leads to a premature termination in the last exon of ASXL3. Premature termination at this location is not predicted to undergo nonsense-mediated decay, increasing the likelihood of an expressed protein. Heterozygous loss of function is an established mechanism of disease for the ASXL3 gene with many disease-causing variants reported downstream of this variant. These data were assessed using the ACMG/AMP variant interpretation guidelines. In summary, there is sufficient evidence to classify the p.Gln1063* variant as pathogenic for autosomal dominant ASXL3-related disorder based on the information above. [ACMG evidence codes used: PVS1; PS2_supporting; PM2]

NM_030632.3(ASXL3):c.3187C>T (p.Gln1063Ter)

Gene: ASXL3 (ASXL transcriptional regulator 3; plus strand). Cytogenetic location: 18q12.1.
Variant type: single nucleotide variant.
Coding change: c.3187C>T on transcript NM_030632.3 (MANE Select); coding-DNA position 3187, C replaced by T.
Protein change: p.Gln1063Ter; replaces glutamine 1063 with a stop codon.
Molecular consequence: nonsense.
Genome position (GRCh38, 1-based): chr18:33,743,035, C>T. VCF-style: chr18-33743035-C-T. GRCh37 (hg19) VCF-style: chr18-31322999-C-T.
Other names: short protein forms Q1063*.
Identifiers: ClinVar variation 3572860 (VCV003572860.1).
Genomic context (GRCh38, chr18:33,743,035, plus strand): 5'-GTCAGTGGCGGGAGGAACACAGGAGCCAGGACCCTCGCAGATATCAAGGCCCGGGCCCAA[C>T]AAGCTCGGGCCCAGCGAGAGGCTGCTGCAGCTGCTGCTGTGGCTGCTGCAGCGAGCATTG-3'